The following is an entry in ClinVar:

NM_016599.5(MYOZ2):c.768C>A (p.Thr256=)

Gene: MYOZ2 (myozenin 2; plus strand). Cytogenetic location: 4q26.
Variant type: single nucleotide variant.
Coding change: c.768C>A on transcript NM_016599.5 (MANE Select); coding-DNA position 768, C replaced by A.
Protein change: p.Thr256=; no amino-acid change (threonine 256 retained).
Molecular consequence: synonymous variant.
Genome position (GRCh38, 1-based): chr4:119,186,173, C>A. VCF-style: chr4-119186173-C-A. GRCh37 (hg19) VCF-style: chr4-120107328-C-A.
Identifiers: ClinVar variation 164732 (VCV000164732.17), dbSNP rs727503333, ClinGen allele CA177402.

ClinVar aggregate classification (germline): Likely benign. Review status: criteria provided, multiple submitters, no conflicts (2 of 4 stars). 5 submissions from 5 submitters: Likely benign (5). Last evaluated 2025-10-21.

Conditions:
MYOZ2-related disorder. Also called: MYOZ2-related condition.
Cardiovascular phenotype. Identifiers: MedGen CN230736.
Hypertrophic cardiomyopathy. Also called: HYPERTROPHIC MYOCARDIOPATHY. Identifiers: Orphanet 217569, MedGen C0007194, MeSH D002312, MONDO:0005045, HP:0001639.

Allele frequency attached by ClinVar (database versions not stated): ExAC 0.00002; gnomAD 0.00003; gnomAD exomes 0.00003 and 0.00006; TOPMed 0.00005.
gnomAD v4.1: 83 of 1,612,214 alleles (0.0051%); highest among the groups gnomAD compares: Non-Finnish European, 0.0068%; no homozygotes.

Submissions (5):

Labcorp Genetics (formerly Invitae), Labcorp
Classification: Likely benign for Hypertrophic cardiomyopathy. Last evaluated: 2025-10-21. Review status: criteria provided, single submitter. Criteria: Invitae Variant Classification Sherloc (09022015). Collection method: clinical testing. Allele origin: germline.

Ambry Genetics
Classification: Likely benign for Cardiovascular phenotype. Last evaluated: 2025-08-27. Review status: criteria provided, single submitter. Criteria: Ambry Variant Classification Scheme 2023. Collection method: clinical testing. Allele origin: germline.

PreventionGenetics, part of Exact Sciences
Classification: Likely benign for MYOZ2-related condition. Last evaluated: 2025-05-07. Review status: criteria provided, single submitter. Criteria: ACMG Guidelines, 2015. Collection method: clinical testing. Allele origin: germline.
Comment: This variant is classified as likely benign based on ACMG/AMP sequence variant interpretation guidelines (Richards et al. 2015 PMID: 25741868, with internal and published modifications).

GeneDx
Classification: Likely benign. Last evaluated: 2020-04-30. Review status: criteria provided, single submitter. Criteria: GeneDx Variant Classification Process June 2021. Collection method: clinical testing. Allele origin: germline. Affected: yes.

Laboratory for Molecular Medicine, Mass General Brigham Personalized Medicine
Classification: Likely benign. Last evaluated: 2012-03-19. Review status: criteria provided, single submitter. Criteria: LMM Criteria. Collection method: clinical testing. Allele origin: germline. Observed: 1 variant allele.
Comment: Thr256Thr in exon 6 of MYOZ2: This variant is not expected to have clinical sign ificance because it does not alter an amino acid residue and is not located with in the splice consensus sequence. It has been identified in 1/7020 European Amer ican chromosomes from a broad population by the NHLBI Exome Sequencing Project. Thr256Thr in exon 6 of MYOZ2 (allele frequen cy = 1/7020) **